The following is an entry in ClinVar:

ClinVar aggregate classification (germline): Uncertain significance (1 of 4 stars; one submission).

Submission:

GeneDx
Classification: Uncertain significance. Last evaluated: 2022-03-08. Review status: criteria provided, single submitter. Criteria: GeneDx Variant Classification Process June 2021. Collection method: clinical testing. Allele origin: germline. Affected: yes.
Comment: Not observed at significant frequency in large population cohorts (gnomAD); In silico analysis supports that this missense variant has a deleterious effect on protein structure/function; Has not been previously published as pathogenic or benign to our knowledge

NM_001282597.3(CTNNA2):c.2015T>C (p.Met672Thr)

Gene: CTNNA2 (catenin alpha 2; plus strand). Cytogenetic location: 2p12.
Variant type: single nucleotide variant.
Coding change: c.2015T>C on transcript NM_001282597.3 (MANE Select); coding-DNA position 2015, T replaced by C.
Protein change: p.Met672Thr; replaces methionine 672 with threonine.
Molecular consequence: missense variant.
Genome position (GRCh38, 1-based): chr2:80,589,311, T>C. VCF-style: chr2-80589311-T-C. GRCh37 (hg19) VCF-style: chr2-80816436-T-C.
Other names: c.2015T>C, p.Met672Thr (NM_001164883.2, NM_004389.4); c.2117T>C, p.Met706Thr (NM_001282598.2); c.1052T>C, p.Met351Thr (NM_001282599.2); c.911T>C, p.Met304Thr (NM_001282600.2, NM_001320810.2); short protein forms M304T, M351T, M672T, M706T.
Identifiers: ClinVar variation 1310747 (VCV001310747.3), dbSNP rs2149735927, ClinGen allele CA347513751.